The following is an entry in ClinVar:

NM_001353345.2(SETD1B):c.2762G>A (p.Arg921Lys)

Gene: SETD1B (SET domain containing 1B, histone lysine methyltransferase; plus strand). Cytogenetic location: 12q24.31.
Variant type: single nucleotide variant.
Coding change: c.2762G>A on transcript NM_001353345.2 (MANE Select); coding-DNA position 2762, G replaced by A.
Protein change: p.Arg921Lys; replaces arginine 921 with lysine.
Molecular consequence: missense variant.
Genome position (GRCh38, 1-based): chr12:121,817,079, G>A. VCF-style: chr12-121817079-G-A. GRCh37 (hg19) VCF-style: chr12-122254985-G-A.
Other names: short protein forms R921K.
Identifiers: ClinVar variation 3365487 (VCV003365487.1).

ClinVar aggregate classification (germline): Uncertain significance (1 of 4 stars; one submission).

Submission:

GeneDx
Classification: Uncertain significance. Last evaluated: 2023-12-13. Review status: criteria provided, single submitter. Criteria: GeneDx Variant Classification Process June 2021. Collection method: clinical testing. Allele origin: germline. Affected: yes.
Comment: Not observed at significant frequency in large population cohorts (gnomAD); In silico analysis supports that this missense variant does not alter protein structure/function; Has not been previously published as pathogenic or benign to our knowledge